The following is an entry in ClinVar:

ClinVar aggregate classification (germline): Uncertain significance (1 of 4 stars; one submission).

Conditions:
Medium-chain acyl-coenzyme A dehydrogenase deficiency (ACADMD). Also called: CARNITINE DEFICIENCY SECONDARY TO MEDIUM-CHAIN ACYL-CoA DEHYDROGENASE DEFICIENCY; MCADH DEFICIENCY; ACADM DEFICIENCY; MCADD; MCAD Deficiency; Medium chain acyl-CoA dehydrogenase deficiency. Identifiers: Orphanet 42, MedGen C0220710, MONDO:0008721, OMIM 201450.

Submission:

Labcorp Genetics (formerly Invitae), Labcorp
Classification: Uncertain significance for Medium-chain acyl-coenzyme A dehydrogenase deficiency. Last evaluated: 2024-11-11. Review status: criteria provided, single submitter. Criteria: Invitae Variant Classification Sherloc (09022015). Collection method: clinical testing. Allele origin: germline.
Comment: This sequence change replaces asparagine, which is neutral and polar, with lysine, which is basic and polar, at codon 194 of the ACADM protein (p.Asn194Lys). This variant is not present in population databases (gnomAD no frequency). This missense change has been observed in individual(s) with a positive newborn screening result for ACADM-related disease (internal data). Invitae Evidence Modeling of protein sequence and biophysical properties (such as structural, functional, and spatial information, amino acid conservation, physicochemical variation, residue mobility, and thermodynamic stability) indicates that this missense variant is expected to disrupt ACADM protein function with a positive predictive value of 80%. This variant disrupts the p.Asn194 amino acid residue in ACADM. Other variant(s) that disrupt this residue have been determined to be pathogenic (PMID: 18241067, 20434380, 23700290, 27751224). This suggests that this residue is clinically significant, and that variants that disrupt this residue are likely to be disease-causing. In summary, the available evidence is currently insufficient to determine the role of this variant in disease. Therefore, it has been classified as a Variant of Uncertain Significance.

Literature cited by the submitters: PubMed 18241067; PubMed 20434380; PubMed 23700290; PubMed 27751224.

NM_000016.6(ACADM):c.582C>A (p.Asn194Lys)

Gene: ACADM (acyl-CoA dehydrogenase medium chain; plus strand). Cytogenetic location: 1p31.1.
Variant type: single nucleotide variant.
Coding change: c.582C>A on transcript NM_000016.6 (MANE Select); coding-DNA position 582, C replaced by A.
Protein change: p.Asn194Lys; replaces asparagine 194 with lysine.
Molecular consequence: missense variant.
Genome position (GRCh38, 1-based): chr1:75,740,093, C>A. VCF-style: chr1-75740093-C-A. GRCh37 (hg19) VCF-style: chr1-76205778-C-A.
Other names: c.594C>A, p.Asn198Lys (NM_001127328.3); c.474C>A, p.Asn158Lys (NM_001286042.2); c.681C>A, p.Asn227Lys (NM_001286043.2); c.15C>A, p.Asn5Lys (NM_001286044.2); short protein forms N5K, N194K, N227K, N158K, N198K.
Identifiers: ClinVar variation 3693102 (VCV003693102.2).